The following is an entry in ClinVar:

ClinVar aggregate classification (germline): Uncertain significance (1 of 4 stars; one submission).

gnomAD v4.1: 5 of 1,612,638 alleles (0.00031%); highest among the groups gnomAD compares: Admixed American, 0.0084%; no homozygotes.

Submission:

Labcorp Genetics (formerly Invitae), Labcorp
Classification: Uncertain significance. Last evaluated: 2025-02-23. Review status: criteria provided, single submitter. Criteria: Invitae Variant Classification Sherloc (09022015). Collection method: clinical testing. Allele origin: germline.
Comment: This sequence change replaces threonine, which is neutral and polar, with serine, which is neutral and polar, at codon 449 of the DNA2 protein (p.Thr449Ser). This variant is present in population databases (rs201624435, gnomAD 0.02%). This variant has not been reported in the literature in individuals affected with DNA2-related conditions. ClinVar contains an entry for this variant (Variation ID: 1492955). Invitae Evidence Modeling of protein sequence and biophysical properties (such as structural, functional, and spatial information, amino acid conservation, physicochemical variation, residue mobility, and thermodynamic stability) indicates that this missense variant is not expected to disrupt DNA2 protein function with a negative predictive value of 80%. In summary, the available evidence is currently insufficient to determine the role of this variant in disease. Therefore, it has been classified as a Variant of Uncertain Significance.

NM_001080449.3(DNA2):c.1346C>G (p.Thr449Ser)

Gene: DNA2 (DNA replication helicase/nuclease 2; minus strand). Cytogenetic location: 10q21.3.
Variant type: single nucleotide variant.
Coding change: c.1346C>G on transcript NM_001080449.3 (MANE Select); coding-DNA position 1346, C replaced by G.
Protein change: p.Thr449Ser; replaces threonine 449 with serine.
Molecular consequence: missense variant. On other transcripts: non-coding transcript variant (1).
Genome position (GRCh38, 1-based): chr10:68,442,986, G>C on the plus strand (C>G on the coding strand, the complement: DNA2 is on the minus strand). VCF-style: chr10-68442986-G-C. GRCh37 (hg19) VCF-style: chr10-70202743-G-C.
Other names: short protein forms T449S.
Identifiers: ClinVar variation 1492955 (VCV001492955.8), dbSNP rs201624435, ClinGen allele CA208211923.
Genomic context (GRCh38, chr10:68,442,986, plus strand): 5'-GCAGGCATTAGCCAGATATTTTGGTGATTCTTTTTATTATCCTTCGATTGTGACTCCAGG[G>C]TTAACATTAGACACCAAAGGCTGAAATATTCTAAGTGTGTTTGCTTCAGATGCTGGGTTT-3'
Protein context (NP_001073918.2, residues 439-459): EYFSLWCLML[Thr449Ser]LESQSKDNKK